The following is an entry in ClinVar:

ClinVar aggregate classification (germline): Likely benign (1 of 4 stars; one submission).

Allele frequency attached by ClinVar (database versions not stated): gnomAD exomes 0.00001.
gnomAD v4.1: 10 of 1,612,940 alleles (0.00062%); highest among the groups gnomAD compares: Non-Finnish European, 0.00076%; no homozygotes.

Submission:

CeGaT Center for Human Genetics Tuebingen
Classification: Likely benign. Last evaluated: 2022-05-01. Review status: criteria provided, single submitter. Criteria: CeGaT Center For Human Genetics Tuebingen Variant Classification Criteria Version 2. Collection method: clinical testing. Allele origin: germline. Affected: yes. Observed: 1 variant allele.
Comment: C1QBP: PM2:Supporting, BP4, BP7

NM_001212.4(C1QBP):c.237C>T (p.Asp79=)

Gene: C1QBP (complement C1q binding protein; minus strand). Cytogenetic location: 17p13.2.
Variant type: single nucleotide variant.
Coding change: c.237C>T on transcript NM_001212.4 (MANE Select); coding-DNA position 237, C replaced by T.
Protein change: p.Asp79=; no amino-acid change (aspartic acid 79 retained).
Molecular consequence: synonymous variant.
Genome position (GRCh38, 1-based): chr17:5,438,269, G>A on the plus strand (C>T on the coding strand, the complement: C1QBP is on the minus strand). VCF-style: chr17-5438269-G-A. GRCh37 (hg19) VCF-style: chr17-5341589-G-A.
Identifiers: ClinVar variation 2647299 (VCV002647299.24), dbSNP rs2507770034, ClinGen allele CA497575537.